The following is an entry in ClinVar:

ClinVar aggregate classification (germline): Pathogenic (1 of 4 stars; one submission).

Submission:

Dasa
Classification: Pathogenic. Last evaluated: 2025-03-02. Review status: criteria provided, single submitter. Criteria: DASA Assertion Criteria. Collection method: clinical testing. Allele origin: germline.
Comment: NM_001010892.3(RSPH4A):c.961del (p.Tyr321Ilefs*44) introduces a premature termination codon predicted to result in loss of normal protein function. Loss-of-function is an established mechanism of disease for this gene. This variant has been reported in individuals with related phenotype (PMID: 36980814). The variant is present at low frequency in population datasets. Based on the available data, this variant is classified as pathogenic.

Literature cited by the submitters: PubMed 36980814.

NM_001010892.3(RSPH4A):c.961del (p.Tyr321fs)

Gene: RSPH4A (radial spoke head component 4A; plus strand). Cytogenetic location: 6q22.1.
Variant type: Deletion.
Coding change: c.961del on transcript NM_001010892.3 (MANE Select); coding-DNA position 961, one base deleted (T; older notation c.961delT).
Protein change: p.Tyr321fs; shifts the reading frame from tyrosine 321.
Molecular consequence: frameshift variant.
Genome position (GRCh38, 1-based): chr6:116,627,668, T deleted; the last of 5 consecutive T bases (chr6:116,627,664-116,627,668); deleting any one gives the same sequence. VCF-style (leftmost placement, unchanged base first): chr6-116627663-CT-C. GRCh37 (hg19) VCF-style: chr6-116948826-CT-C.
Other names: c.961del, p.Tyr321fs (NM_001161664.2); short protein forms Y321fs.
Identifiers: ClinVar variation 4851778 (VCV004851778.1).